The following is an entry in ClinVar:

NM_012239.6(SIRT3):c.33C>T (p.Ala11=)

Gene: SIRT3 (sirtuin 3; minus strand). Cytogenetic location: 11p15.5.
Variant type: single nucleotide variant.
Coding change: c.33C>T on transcript NM_012239.6 (MANE Select); coding-DNA position 33, C replaced by T.
Protein change: p.Ala11=; no amino-acid change (alanine 11 retained).
Molecular consequence: synonymous variant. On other transcripts: 5 prime UTR variant (3), non-coding transcript variant (9), intron variant (7).
Genome position (GRCh38, 1-based): chr11:236,296, G>A on the plus strand (C>T on the coding strand, the complement: SIRT3 is on the minus strand). VCF-style: chr11-236296-G-A. GRCh37 (hg19) VCF-style: chr11-236296-G-A.
Other names: c.-248C>T (NM_001017524.3, NM_001370323.1, NM_001370325.1); c.33C>T, p.Ala11= (NM_001370310.1, NM_001370312.1, NM_001370314.1 and 2 more transcripts); c.-146+395C>T (NM_001370324.1, NM_001370320.1); c.-146+393C>T (NM_001370319.1); c.-10+320C>T (NM_001370317.1); c.-49+320C>T (NM_001370322.1); c.-146+320C>T (NM_001370318.1, NM_001370321.1).
Identifiers: ClinVar variation 3034122 (VCV003034122.2), dbSNP rs201049682, ClinGen allele CA5771331.

ClinVar aggregate classification (germline): Likely benign (0 of 4 stars; one submission).

Conditions:
SIRT3-related disorder. Also called: SIRT3-related condition.

Allele frequency attached by ClinVar (database versions not stated): TOPMed 0.00027; gnomAD 0.00034; 1000 Genomes Project 30x 0.00078; 1000 Genomes Project 0.00080; ExAC 0.00142.

Submission:

PreventionGenetics, part of Exact Sciences
Classification: Likely benign for SIRT3-related condition. Last evaluated: 2019-07-15. Review status: no assertion criteria provided. Collection method: clinical testing. Allele origin: germline.
Comment: This variant is classified as likely benign based on ACMG/AMP sequence variant interpretation guidelines (Richards et al. 2015 PMID: 25741868, with internal and published modifications).